The following is an entry in ClinVar:

NM_001397.3(ECE1):c.*2220C>T

Gene: ECE1 (endothelin converting enzyme 1; minus strand). Cytogenetic location: 1p36.12.
Variant type: single nucleotide variant.
Coding change: c.*2220C>T on transcript NM_001397.3 (MANE Select); 2220 bases downstream of the stop codon, C replaced by T.
Molecular consequence: 3 prime UTR variant.
Genome position (GRCh38, 1-based): chr1:21,217,735, G>A on the plus strand (C>T on the coding strand, the complement: ECE1 is on the minus strand). VCF-style: chr1-21217735-G-A. GRCh37 (hg19) VCF-style: chr1-21544228-G-A.
Other names: c.*2220C>T (NM_001113347.2, NM_001113348.2, NM_001113349.2).
Identifiers: ClinVar variation 2638445 (VCV002638445.24), dbSNP rs2551188243, ClinGen allele CA2643904960.
Genomic context (GRCh38, chr1:21,217,735, plus strand): 5'-GGCAGAGGGGACACCATGGCTGGGAGAAGCCCGCCTCTATGTGGCAAGGGGACTGCGGCT[G>A]GCTTCTGCTTCAGCTACTTCTCGGGTTCCTGTCTCCTCTGCAGAGCTACCAGGACTGCTG-3'

ClinVar aggregate classification (germline): Likely benign (1 of 4 stars; one submission).

Submission:

CeGaT Center for Human Genetics Tuebingen
Classification: Likely benign. Last evaluated: 2023-03-01. Review status: criteria provided, single submitter. Criteria: CeGaT Center For Human Genetics Tuebingen Variant Classification Criteria Version 2. Collection method: clinical testing. Allele origin: germline. Affected: yes. Observed: 1 variant allele.
Comment: ECE1: PM2:Supporting, BP4, BP7